The following is an entry in ClinVar:

ClinVar aggregate classification (germline): Uncertain significance. Review status: criteria provided, multiple submitters, no conflicts (2 of 4 stars). 2 submissions from 2 submitters: Uncertain significance (2). Last evaluated 2026-02-17.

Conditions:
Tuberous sclerosis 1 (TSC1). Identifiers: Orphanet 805, MedGen C1854465, MONDO:0008612, OMIM 191100.
Hereditary cancer-predisposing syndrome. Also called: Neoplastic Syndromes, Hereditary; Hereditary neoplastic syndrome; Tumor predisposition; Hereditary Cancer Syndrome. Identifiers: Orphanet 140162, MedGen C0027672, MeSH D009386, MONDO:0015356.

Allele frequency attached by ClinVar (database versions not stated): TOPMed below 0.00001.

Submissions (2):

Ambry Genetics
Classification: Uncertain significance for Hereditary cancer-predisposing syndrome. Last evaluated: 2026-02-17. Review status: criteria provided, single submitter. Criteria: Ambry Variant Classification Scheme 2023. Collection method: clinical testing. Allele origin: germline.

Labcorp Genetics (formerly Invitae), Labcorp
Classification: Uncertain significance for Tuberous sclerosis 1. Last evaluated: 2024-03-21. Review status: criteria provided, single submitter. Criteria: Invitae Variant Classification Sherloc (09022015). Collection method: clinical testing. Allele origin: germline.
Comment: This sequence change replaces aspartic acid, which is acidic and polar, with asparagine, which is neutral and polar, at codon 686 of the TSC1 protein (p.Asp686Asn). This variant is not present in population databases (gnomAD no frequency). This variant has not been reported in the literature in individuals affected with TSC1-related conditions. ClinVar contains an entry for this variant (Variation ID: 571765). Advanced modeling of protein sequence and biophysical properties (such as structural, functional, and spatial information, amino acid conservation, physicochemical variation, residue mobility, and thermodynamic stability) performed at Invitae indicates that this missense variant is not expected to disrupt TSC1 protein function with a negative predictive value of 95%. In summary, the available evidence is currently insufficient to determine the role of this variant in disease. Therefore, it has been classified as a Variant of Uncertain Significance.

NM_000368.5(TSC1):c.2056G>A (p.Asp686Asn)

Gene: TSC1 (TSC complex subunit 1; minus strand). Cytogenetic location: 9q34.13.
Variant type: single nucleotide variant.
Coding change: c.2056G>A on transcript NM_000368.5 (MANE Select); coding-DNA position 2056, G replaced by A.
Protein change: p.Asp686Asn; replaces aspartic acid 686 with asparagine.
Molecular consequence: missense variant.
Genome position (GRCh38, 1-based): chr9:132,903,803, C>T on the plus strand (G>A on the coding strand, the complement: TSC1 is on the minus strand). VCF-style: chr9-132903803-C-T. GRCh37 (hg19) VCF-style: chr9-135779190-C-T.
Other names: c.2053G>A, p.Asp685Asn (NM_001162426.2); c.1903G>A, p.Asp635Asn (NM_001162427.2); c.1693G>A, p.Asp565Asn (NM_001362177.2); short protein forms D686N, D635N, D565N, D685N.
Identifiers: ClinVar variation 571765 (VCV000571765.12), dbSNP rs1406756346, ClinGen allele CA375361146.